The following is an entry in ClinVar:

ClinVar aggregate classification (germline): Uncertain significance. Review status: criteria provided, multiple submitters, no conflicts (2 of 4 stars). 2 submissions from 2 submitters: Uncertain significance (2). Last evaluated 2025-06-23.

Conditions:
Inborn genetic diseases. Identifiers: MedGen C0950123, MeSH D030342.

Allele frequency attached by ClinVar (database versions not stated): TOPMed 0.00001.

Submissions (2):

Labcorp Genetics (formerly Invitae), Labcorp
Classification: Uncertain significance. Last evaluated: 2025-06-23. Review status: criteria provided, single submitter. Criteria: Invitae Variant Classification Sherloc (09022015). Collection method: clinical testing. Allele origin: germline.
Comment: This sequence change replaces proline, which is neutral and non-polar, with arginine, which is basic and polar, at codon 65 of the KDM1A protein (p.Pro65Arg). This variant is not present in population databases (gnomAD no frequency). This variant has not been reported in the literature in individuals affected with KDM1A-related conditions. ClinVar contains an entry for this variant (Variation ID: 2877003). An algorithm developed to predict the effect of missense changes on protein structure and function (PolyPhen-2) suggests that this variant is likely to be disruptive. In summary, the available evidence is currently insufficient to determine the role of this variant in disease. Therefore, it has been classified as a Variant of Uncertain Significance.

Ambry Genetics
Classification: Uncertain significance for Inborn genetic diseases. Last evaluated: 2024-11-17. Review status: criteria provided, single submitter. Criteria: Ambry Variant Classification Scheme 2023. Collection method: clinical testing. Allele origin: germline.
Comment: The p.P65R variant (also known as c.194C>G), located in coding exon 1 of the KDM1A gene, results from a C to G substitution at nucleotide position 194. The proline at codon 65 is replaced by arginine, an amino acid with dissimilar properties. This amino acid position is conserved. In addition, this alteration is predicted to be tolerated by in silico analysis. Based on the available evidence, the clinical significance of this variant remains unclear.

NM_001009999.3(KDM1A):c.194C>G (p.Pro65Arg)

Gene: KDM1A (lysine demethylase 1A; plus strand). Cytogenetic location: 1p36.12.
Variant type: single nucleotide variant.
Coding change: c.194C>G on transcript NM_001009999.3 (MANE Select); coding-DNA position 194, C replaced by G.
Protein change: p.Pro65Arg; replaces proline 65 with arginine.
Molecular consequence: missense variant.
Genome position (GRCh38, 1-based): chr1:23,019,790, C>G. VCF-style: chr1-23019790-C-G. GRCh37 (hg19) VCF-style: chr1-23346283-C-G.
Other names: c.194C>G, p.Pro65Arg (NM_001363654.2, NM_001410762.1, NM_001410763.1 and 1 more transcripts); c.194C>G (NM_001009999.2); short protein forms P65R.
Identifiers: ClinVar variation 2877003 (VCV002877003.4), dbSNP rs543763800, ClinGen allele CA338951479.